The following is an entry in ClinVar:

ClinVar aggregate classification (germline): Uncertain significance. Review status: criteria provided, multiple submitters, no conflicts (2 of 4 stars). 3 submissions from 3 submitters: Uncertain significance (3). Last evaluated 2026-02-27.

Conditions:
Inborn genetic diseases. Identifiers: MedGen C0950123, MeSH D030342.
Ullrich congenital muscular dystrophy 2 (UCMD2). Identifiers: Orphanet 75840, MedGen C4225314, MONDO:0014654, OMIM 616470.
Bethlem myopathy 2 (BTHLM2). Identifiers: Orphanet 536516, Orphanet 610, MedGen C4225313, MONDO:0034022, OMIM 616471.

Submissions (3):

Women's Health and Genetics/Laboratory Corporation of America, LabCorp
Classification: Uncertain significance. Last evaluated: 2026-02-27. Review status: criteria provided, single submitter. Criteria: LabCorp Variant Classification Summary - May 2015. Collection method: clinical testing. Allele origin: germline.
Comment: Variant summary: COL12A1 c.782C>G (p.Ala261Gly) results in a non-conservative amino acid change in the encoded protein sequence. Algorithms developed to predict the effect of missense changes on protein structure and function all suggest that this variant is likely to be disruptive. The variant was absent in 248916 control chromosomes. The available data on variant occurrences in the general population are insufficient to allow any conclusion about variant significance. To our knowledge, no occurrence of c.782C>G in individuals affected with COL12A1-related conditions and no experimental evidence demonstrating its impact on protein function have been reported. ClinVar contains an entry for this variant (Variation ID: 3495049). Based on the evidence outlined above, the variant was classified as uncertain significance.

Ambry Genetics
Classification: Uncertain significance for Inborn genetic diseases. Last evaluated: 2024-12-03. Review status: criteria provided, single submitter. Criteria: Ambry Variant Classification Scheme 2023. Collection method: clinical testing. Allele origin: germline.

Labcorp Genetics (formerly Invitae), Labcorp
Classification: Uncertain significance for Bethlem myopathy 2; Ullrich congenital muscular dystrophy 2. Last evaluated: 2024-05-12. Review status: criteria provided, single submitter. Criteria: Invitae Variant Classification Sherloc (09022015). Collection method: clinical testing. Allele origin: germline.
Comment: This sequence change replaces alanine, which is neutral and non-polar, with glycine, which is neutral and non-polar, at codon 261 of the COL12A1 protein (p.Ala261Gly). This variant is not present in population databases (gnomAD no frequency). This variant has not been reported in the literature in individuals affected with COL12A1-related conditions. Advanced modeling of protein sequence and biophysical properties (such as structural, functional, and spatial information, amino acid conservation, physicochemical variation, residue mobility, and thermodynamic stability) performed at Invitae indicates that this missense variant is expected to disrupt COL12A1 protein function with a positive predictive value of 80%. In summary, the available evidence is currently insufficient to determine the role of this variant in disease. Therefore, it has been classified as a Variant of Uncertain Significance.

NM_004370.6(COL12A1):c.782C>G (p.Ala261Gly)

Gene: COL12A1 (collagen type XII alpha 1 chain; minus strand). Cytogenetic location: 6q13.
Variant type: single nucleotide variant.
Coding change: c.782C>G on transcript NM_004370.6 (MANE Select); coding-DNA position 782, C replaced by G.
Protein change: p.Ala261Gly; replaces alanine 261 with glycine.
Molecular consequence: missense variant. On other transcripts: intron variant (2).
Genome position (GRCh38, 1-based): chr6:75,189,258, G>C on the plus strand (C>G on the coding strand, the complement: COL12A1 is on the minus strand). VCF-style: chr6-75189258-G-C. GRCh37 (hg19) VCF-style: chr6-75898974-G-C.
Other names: c.782C>G, p.Ala261Gly (NM_001424113.1, NM_001424114.1, NM_001424115.1); c.73+13462C>G (NM_001424116.1, NM_080645.3); short protein forms A261G.
Identifiers: ClinVar variation 3495049 (VCV003495049.4).